The following is an entry in ClinVar:

NM_005228.5(EGFR):c.358G>A (p.Ala120Thr)

Gene: EGFR (epidermal growth factor receptor; plus strand). Cytogenetic location: 7p11.2.
Variant type: single nucleotide variant.
Coding change: c.358G>A on transcript NM_005228.5 (MANE Select); coding-DNA position 358, G replaced by A.
Protein change: p.Ala120Thr; replaces alanine 120 with threonine.
Molecular consequence: missense variant. On other transcripts: intron variant (1).
Genome position (GRCh38, 1-based): chr7:55,143,422, G>A. VCF-style: chr7-55143422-G-A. GRCh37 (hg19) VCF-style: chr7-55211115-G-A.
Other names: c.358G>A, p.Ala120Thr (NM_001346897.2, NM_001346898.2, NM_001346899.2 and 3 more transcripts); c.199G>A, p.Ala67Thr (NM_001346900.2); c.89-12408G>A (NM_001346941.2); short protein forms A120T, A67T.
Identifiers: ClinVar variation 3689938 (VCV003689938.3).

ClinVar aggregate classification (germline): Uncertain significance. Review status: criteria provided, multiple submitters, no conflicts (2 of 4 stars). 2 submissions from 2 submitters: Uncertain significance (2). Last evaluated 2025-04-09.

Conditions:
Hereditary cancer-predisposing syndrome. Also called: Tumor predisposition; Neoplastic Syndromes, Hereditary; Hereditary Cancer Syndrome; Hereditary neoplastic syndrome. Identifiers: Orphanet 140162, MedGen C0027672, MeSH D009386, MONDO:0015356.
EGFR-related lung cancer (EGFR). Identifiers: MedGen CN130014.

Submissions (2):

Ambry Genetics
Classification: Uncertain significance for Hereditary cancer-predisposing syndrome. Last evaluated: 2025-04-09. Review status: criteria provided, single submitter. Criteria: Ambry Variant Classification Scheme 2023. Collection method: clinical testing. Allele origin: germline.
Comment: The p.A120T variant (also known as c.358G>A), located in coding exon 3 of the EGFR gene, results from a G to A substitution at nucleotide position 358. The alanine at codon 120 is replaced by threonine, an amino acid with similar properties. This amino acid position is conserved. In addition, this alteration is predicted to be tolerated by in silico analysis. Based on the available evidence, the clinical significance of this variant remains unclear.

Labcorp Genetics (formerly Invitae), Labcorp
Classification: Uncertain significance for EGFR-related lung cancer. Last evaluated: 2024-07-10. Review status: criteria provided, single submitter. Criteria: Invitae Variant Classification Sherloc (09022015). Collection method: clinical testing. Allele origin: germline.
Comment: This sequence change replaces alanine, which is neutral and non-polar, with threonine, which is neutral and polar, at codon 120 of the EGFR protein (p.Ala120Thr). This variant is not present in population databases (gnomAD no frequency). This variant has not been reported in the literature in individuals affected with EGFR-related conditions. Advanced modeling of protein sequence and biophysical properties (such as structural, functional, and spatial information, amino acid conservation, physicochemical variation, residue mobility, and thermodynamic stability) performed at Invitae indicates that this missense variant is not expected to disrupt EGFR protein function with a negative predictive value of 80%. In summary, the available evidence is currently insufficient to determine the role of this variant in disease. Therefore, it has been classified as a Variant of Uncertain Significance.